The following is an entry in ClinVar:

NM_004415.4(DSP):c.513C>G (p.Gly171=)

Gene: DSP (desmoplakin; plus strand). Cytogenetic location: 6p24.3.
Variant type: single nucleotide variant.
Coding change: c.513C>G on transcript NM_004415.4 (MANE Select); coding-DNA position 513, C replaced by G.
Protein change: p.Gly171=; no amino-acid change (glycine 171 retained).
Molecular consequence: synonymous variant.
Genome position (GRCh38, 1-based): chr6:7,559,316, C>G. VCF-style: chr6-7559316-C-G. GRCh37 (hg19) VCF-style: chr6-7559549-C-G.
Other names: c.513C>G, p.Gly171= (NM_001008844.3, NM_001319034.2, NM_001406591.1).
Identifiers: ClinVar variation 5041829 (VCV005041829.1).

ClinVar aggregate classification (germline): Likely benign (1 of 4 stars; one submission).

Submission:

CeGaT Center for Human Genetics Tuebingen
Classification: Likely benign. Last evaluated: 2026-10-01. Review status: criteria provided, single submitter. Criteria: CeGaT Center For Human Genetics Tuebingen Variant Classification Criteria Version 2. Collection method: clinical testing. Allele origin: germline. Affected: yes. Observed: 1 variant allele.
Comment: DSP: PM2:Supporting, BP4, BP7